The following is an entry in ClinVar:

ClinVar aggregate classification (germline): Uncertain significance (1 of 4 stars; one submission).

Conditions:
Hereditary cancer-predisposing syndrome. Also called: Neoplastic Syndromes, Hereditary; Tumor predisposition; Hereditary neoplastic syndrome; Hereditary Cancer Syndrome. Identifiers: Orphanet 140162, MedGen C0027672, MeSH D009386, MONDO:0015356.

Submission:

Academic Department of Medical Genetics, University of Cambridge
Classification: Uncertain significance for Hereditary cancer-predisposing syndrome. Last evaluated: 2018-01-26. Review status: criteria provided, single submitter. Criteria: Whitworth J et al. (Am J Hum Genet 2018). Collection method: research. Allele origin: germline. Affected: yes. Observed: 1 heterozygote.
Comment: Identified as part of research study of individuals with multiple primary tumours referred for genetic assessment

Single allele

Gene: FLCN (folliculin; minus strand). Cytogenetic location: 17p11.2.
Variant type: Deletion.
Identifiers: ClinVar variation 689360 (VCV000689360.1).